The following is an entry in ClinVar:

NM_006947.4(SRP72):c.1820C>T (p.Ala607Val)

Gene: SRP72 (signal recognition particle 72; plus strand). Cytogenetic location: 4q12.
Variant type: single nucleotide variant.
Coding change: c.1820C>T on transcript NM_006947.4 (MANE Select); coding-DNA position 1820, C replaced by T.
Protein change: p.Ala607Val; replaces alanine 607 with valine.
Molecular consequence: missense variant. On other transcripts: non-coding transcript variant (1).
Genome position (GRCh38, 1-based): chr4:56,500,677, C>T. VCF-style: chr4-56500677-C-T. GRCh37 (hg19) VCF-style: chr4-57366843-C-T.
Other names: c.1637C>T, p.Ala546Val (NM_001267722.2); short protein forms A546V, A607V.
Identifiers: ClinVar variation 4174979 (VCV004174979.1).
Genomic context (GRCh38, chr4:56,500,677, plus strand): 5'-GGGGAAGAAAGAAGGGTAAAAAGAAGGATCAGATTGGAAAAGGGACCCAGGGAGCAACTG[C>T]AGGAGCTTCATCTGAACTGTAAGTTATTGCTCCACAATTGAGGGCACTTAGAACATACGT-3'
Protein context (NP_008878.3, residues 597-617): QIGKGTQGAT[Ala607Val]GASSELDASK

ClinVar aggregate classification (germline): Uncertain significance (1 of 4 stars; one submission).

Submission:

Ambry Genetics
Classification: Uncertain significance. Last evaluated: 2025-08-31. Review status: criteria provided, single submitter. Criteria: Ambry Variant Classification Scheme 2023. Collection method: clinical testing. Allele origin: germline.
Comment: The p.A607V variant (also known as c.1820C>T), located in coding exon 18 of the SRP72 gene, results from a C to T substitution at nucleotide position 1820. The alanine at codon 607 is replaced by valine, an amino acid with similar properties. This amino acid position is conserved. In addition, this alteration is predicted to be tolerated by in silico analysis. Based on the available evidence, the clinical significance of this variant remains unclear.